The following is an entry in ClinVar:

NM_002055.5(GFAP):c.817G>T (p.Glu273Ter)

Gene: GFAP (glial fibrillary acidic protein; minus strand). Cytogenetic location: 17q21.31.
Variant type: single nucleotide variant.
Coding change: c.817G>T on transcript NM_002055.5 (MANE Select); coding-DNA position 817, G replaced by T.
Protein change: p.Glu273Ter; replaces glutamic acid 273 with a stop codon.
Molecular consequence: nonsense.
Genome position (GRCh38, 1-based): chr17:44,911,761, C>A on the plus strand (G>T on the coding strand, the complement: GFAP is on the minus strand). VCF-style: chr17-44911761-C-A. GRCh37 (hg19) VCF-style: chr17-42989129-C-A.
Other names: c.817G>T, p.Glu273Ter (NM_001131019.3, NM_001242376.3, NM_001363846.2); short protein forms E273*.
Identifiers: ClinVar variation 1698085 (VCV001698085.3), dbSNP rs2051775742, ClinGen allele CA399844705.
Genomic context (GRCh38, chr17:44,911,761, plus strand): 5'-TCAAGGACTGCAACTGGCGCCGGTAGTCGTTGGCTTCGTGCTTGGCCTGGCGGAGCAGCT[C>A]CGCGTTGCGGGCAGCAGCGTCTGTCAGGTCTGCAAACTAGGTGGGGGACACATATGGGGG-3'

ClinVar aggregate classification (germline): Uncertain significance. Review status: criteria provided, multiple submitters, no conflicts (2 of 4 stars). 2 submissions from 2 submitters: Uncertain significance (2). Last evaluated 2024-09-19.

Submissions (2):

Women's Health and Genetics/Laboratory Corporation of America, LabCorp
Classification: Uncertain significance. Last evaluated: 2024-09-19. Review status: criteria provided, single submitter. Criteria: LabCorp Variant Classification Summary - May 2015. Collection method: clinical testing. Allele origin: germline.
Comment: Variant summary: GFAP c.817G>T (p.Glu273X) results in a premature termination codon, predicted to cause absence of the protein due to nonsense mediated decay, however current evidence is not sufficient to establish loss of function as a mechanism for disease. The variant was absent in 248558 control chromosomes. The available data on variant occurrences in the general population are insufficient to allow any conclusion about variant significance. To our knowledge, no occurrence of c.817G>T in individuals affected with Alexander Disease and no experimental evidence demonstrating its impact on protein function have been reported. ClinVar contains an entry for this variant (Variation ID: 1698085). Based on the evidence outlined above, the variant was classified as uncertain significance.

GeneDx
Classification: Uncertain significance. Last evaluated: 2022-07-18. Review status: criteria provided, single submitter. Criteria: GeneDx Variant Classification Process June 2021. Collection method: clinical testing. Allele origin: germline. Affected: yes.
Comment: Not observed at significant frequency in large population cohorts (gnomAD); Nonsense variant predicted to result in protein truncation or nonsense mediated decay in a gene for which loss-of-function is not a known mechanism of disease; Has not been previously published as pathogenic or benign to our knowledge